The following is an entry in ClinVar:

ClinVar aggregate classification (germline): Uncertain significance. Review status: criteria provided, multiple submitters, no conflicts (2 of 4 stars). 3 submissions from 3 submitters: Uncertain significance (3). Last evaluated 2024-04-19.

Conditions:
Developmental and epileptic encephalopathy, 54. Also called: Epileptic encephalopathy, early infantile, 54; HNRNPU-Related Neurodevelopmental Disorder. Identifiers: MedGen C4479319, MONDO:0033363, OMIM 617391.

Submissions (3):

GeneDx
Classification: Uncertain significance. Last evaluated: 2024-04-19. Review status: criteria provided, single submitter. Criteria: GeneDx Variant Classification Process June 2021. Collection method: clinical testing. Allele origin: germline. Affected: yes.
Comment: Reported in one individual in the published literature in association with developmental delay and seizures (PMID: 33874999); In silico analysis supports that this missense variant has a deleterious effect on protein structure/function; Not observed at significant frequency in large population cohorts (gnomAD); This variant is associated with the following publications: (PMID: 33874999)

Labcorp Genetics (formerly Invitae), Labcorp
Classification: Uncertain significance for Developmental and epileptic encephalopathy, 54. Last evaluated: 2022-07-29. Review status: criteria provided, single submitter. Criteria: Invitae Variant Classification Sherloc (09022015). Collection method: clinical testing. Allele origin: germline.
Comment: This sequence change replaces glutamic acid, which is acidic and polar, with aspartic acid, which is acidic and polar, at codon 456 of the HNRNPU protein (p.Glu456Asp). This variant is not present in population databases (gnomAD no frequency). This variant has not been reported in the literature in individuals affected with HNRNPU-related conditions. ClinVar contains an entry for this variant (Variation ID: 625955). Algorithms developed to predict the effect of missense changes on protein structure and function are either unavailable or do not agree on the potential impact of this missense change (SIFT: "Tolerated"; PolyPhen-2: "Not Available"; Align-GVGD: "Class C0"). In summary, the available evidence is currently insufficient to determine the role of this variant in disease. Therefore, it has been classified as a Variant of Uncertain Significance.

Center for Genomics, Ann and Robert H. Lurie Children's Hospital of Chicago
Classification: Uncertain significance for Developmental and epileptic encephalopathy, 54. Last evaluated: 2021-03-30. Review status: criteria provided, single submitter. Criteria: ACMG Guidelines, 2015. Collection method: clinical testing. Allele origin: germline.
Comment: HNRNPU NM_031844.2 exon 7 p.Glu456Asp (c.1368A>C): This variant has not been reported in the literature and is not present in large control databases. Evolutionary conservation and computational predictive tools for this variant are unclear. In summary, data on this variant is insufficient for disease classification. Therefore, the clinical significance of this variant is uncertain.

NM_031844.3(HNRNPU):c.1368A>C (p.Glu456Asp)

Gene: HNRNPU (heterogeneous nuclear ribonucleoprotein U; minus strand). Cytogenetic location: 1q44.
Variant type: single nucleotide variant.
Coding change: c.1368A>C on transcript NM_031844.3 (MANE Select); coding-DNA position 1368, A replaced by C.
Protein change: p.Glu456Asp; replaces glutamic acid 456 with aspartic acid.
Molecular consequence: missense variant.
Genome position (GRCh38, 1-based): chr1:244,858,137, T>G on the plus strand (A>C on the coding strand, the complement: HNRNPU is on the minus strand). VCF-style: chr1-244858137-T-G. GRCh37 (hg19) VCF-style: chr1-245021439-T-G.
Other names: c.1368A>C (NM_031844.2); c.1311A>C, p.Glu437Asp (NM_004501.3); short protein forms E456D, E437D.
Identifiers: ClinVar variation 625955 (VCV000625955.7), dbSNP rs1558187433, ClinGen allele CA345491789.